The following is an entry in ClinVar:

ClinVar aggregate classification (germline): Conflicting classifications of pathogenicity. Review status: criteria provided, conflicting classifications (1 of 4 stars). 3 submissions from 3 submitters: Uncertain significance (1); Likely benign (2). Last evaluated 2025-12-23.

Conditions:
Hypertrophic cardiomyopathy 13. Also called: TNNC1-Related Familial Hypertrophic Cardiomyopathy. Identifiers: MedGen C2750472, MONDO:0013195, OMIM 613243.
Dilated cardiomyopathy 1Z (CMD1Z). Identifiers: Orphanet 154, MedGen C2678475, MONDO:0012745, OMIM 611879.

gnomAD v4.1: 9 of 1,614,080 alleles (0.00056%); highest among the groups gnomAD compares: South Asian, 0.0044%; no homozygotes.

Submissions (3):

Labcorp Genetics (formerly Invitae), Labcorp
Classification: Uncertain significance for Hypertrophic cardiomyopathy 13; Dilated cardiomyopathy 1Z. Last evaluated: 2025-12-23. Review status: criteria provided, single submitter. Criteria: Invitae Variant Classification Sherloc (09022015). Collection method: clinical testing. Allele origin: germline.
Comment: This sequence change falls in intron 5 of the TNNC1 gene. It does not directly change the encoded amino acid sequence of the TNNC1 protein. It affects a nucleotide within the consensus splice site. This variant is present in population databases (rs750021293, gnomAD 0.006%). This variant has not been reported in the literature in individuals affected with TNNC1-related conditions. ClinVar contains an entry for this variant (Variation ID: 508670). Variants that disrupt the consensus splice site are a relatively common cause of aberrant splicing (PMID: 17576681, 9536098). Algorithms developed to predict the effect of sequence changes on RNA splicing suggest that this variant is not likely to affect RNA splicing. In summary, the available evidence is currently insufficient to determine the role of this variant in disease. Therefore, it has been classified as a Variant of Uncertain Significance.

Blueprint Genetics
Classification: Likely benign. Last evaluated: 2023-03-01. Review status: criteria provided, single submitter. Criteria: ACMG Guidelines, 2015. Collection method: clinical testing. Allele origin: germline.

GeneDx
Classification: Likely benign. Last evaluated: 2017-04-05. Review status: criteria provided, single submitter. Criteria: GeneDx Variant Classification (06012015). Collection method: clinical testing. Allele origin: germline. Affected: yes.
Comment: This variant is considered likely benign or benign based on one or more of the following criteria: it is a conservative change, it occurs at a poorly conserved position in the protein, it is predicted to be benign by multiple in silico algorithms, and/or has population frequency not consistent with disease.

Literature cited by the submitters: PubMed 17576681 (cited by Labcorp Genetics (formerly Invitae), Labcorp); PubMed 9536098 (cited by Labcorp Genetics (formerly Invitae), Labcorp).

NM_003280.3(TNNC1):c.454+6C>T

Gene: TNNC1 (troponin C1, slow skeletal and cardiac type; minus strand). Cytogenetic location: 3p21.1.
Variant type: single nucleotide variant.
Coding change: c.454+6C>T on transcript NM_003280.3 (MANE Select); 6 bases into the intron after coding-DNA position 454, C replaced by T.
Molecular consequence: intron variant.
Genome position (GRCh38, 1-based): chr3:52,451,385, G>A on the plus strand (C>T on the coding strand, the complement: TNNC1 is on the minus strand). VCF-style: chr3-52451385-G-A. GRCh37 (hg19) VCF-style: chr3-52485401-G-A.
Other names: c.454+6C>T (LRG_378t1).
Identifiers: ClinVar variation 508670 (VCV000508670.8), dbSNP rs750021293, ClinGen allele CA74775127.